The following is an entry in ClinVar:

NM_000322.5(PRPH2):c.771_772delinsGA (p.Tyr257_Tyr258delinsTer)

Gene: PRPH2 (peripherin 2; minus strand). Cytogenetic location: 6p21.1.
Variant type: Indel.
Coding change: c.771_772delinsGA on transcript NM_000322.5 (MANE Select); coding-DNA positions 771 to 772, CT replaced by GA.
Protein change: p.Tyr257_Tyr258delinsTer.
Molecular consequence: nonsense.
Genome position (GRCh38, 1-based): chr6:42,704,421-42,704,422, AG replaced by TC on the plus strand (CT replaced by GA on the coding strand, the reverse complement: PRPH2 is on the minus strand). VCF-style: chr6-42704421-AG-TC. GRCh37 (hg19) VCF-style: chr6-42672159-AG-TC.
Identifiers: ClinVar variation 4710740 (VCV004710740.1).
Genomic context (GRCh38, chr6:42,704,421, plus strand): 5'-CTACCTCGAAGAGCCAAATGAGGAGCGTGACGACACCCATGGAGTTCATGAGGCTGCTGT[AG>TC]TAGCTCAGCAGGGCAGCCCTGCAGCCACGCACCCACAGGTTGAGCTCCTCCGTCTGGTGG-3'

ClinVar aggregate classification (germline): Pathogenic (1 of 4 stars; one submission).

Conditions:
PRPH2-related disorder. Also called: PRPH2-related condition; PRPH2-related disorders. Identifiers: MedGen CN239395.

Submission:

Labcorp Genetics (formerly Invitae), Labcorp
Classification: Pathogenic for PRPH2-related disorder. Last evaluated: 2025-08-25. Review status: criteria provided, single submitter. Criteria: Invitae Variant Classification Sherloc (09022015). Collection method: clinical testing. Allele origin: germline.
Comment: This sequence change creates a premature translational stop signal (p.Tyr257*) in the PRPH2 gene. It is expected to result in an absent or disrupted protein product. Loss-of-function variants in PRPH2 are known to be pathogenic (PMID: 8111389, 8485575, 8485576, 8675410, 16916875, 17504850, 22863181, 25675413, 26061163, 27365499, 29555955, 33546218). Information on the frequency of this variant in the gnomAD database is not available, as this variant may be reported differently in the database. This premature translational stop signal has been observed in individual(s) with PRPH2-related conditions (PMID: 36563963). For these reasons, this variant has been classified as Pathogenic.

Literature cited by the submitters: PubMed 8111389; PubMed 8485575; PubMed 8485576; PubMed 8675410; PubMed 16916875; PubMed 17504850; PubMed 22863181; PubMed 25675413; PubMed 26061163; PubMed 27365499; PubMed 29555955; PubMed 33546218; PubMed 36563963.